The following is an entry in ClinVar:

ClinVar aggregate classification (germline): Uncertain significance. Review status: criteria provided, multiple submitters, no conflicts (2 of 4 stars). 6 submissions from 6 submitters: Uncertain significance (5). 1 of the submissions does not count toward it. Last evaluated 2026-08-26.

Conditions:
Leber congenital amaurosis 10 (LCA10). Identifiers: Orphanet 65, MedGen C1857821, MONDO:0012723, OMIM 611755.
Meckel syndrome, type 4 (MKS4). Also called: MECKEL-GRUBER SYNDROME, TYPE 4. Identifiers: Orphanet 564, MedGen C1970161, MONDO:0012626, OMIM 611134.
Senior-Loken syndrome 6 (SLSN6). Identifiers: Orphanet 3156, MedGen C1857779, MONDO:0012433, OMIM 610189.
Joubert syndrome 5 (JBTS5). Identifiers: Orphanet 2318, MedGen C1857780, MONDO:0012432, OMIM 610188.
CEP290-related disorder. Also called: CEP290-related condition; CEP290-related disorders. Identifiers: MedGen CN239314.
Joubert syndrome. Also called: Familial aplasia of the vermis; JOUBERT-BOLTSHAUSER SYNDROME. Identifiers: Orphanet 475, MedGen C5979921, MONDO:0018772.
Nephronophthisis. Also called: Juvenile Nephronophthisis. Identifiers: Orphanet 655, MedGen C0687120, MONDO:0019005, HP:0000090.
Meckel-Gruber syndrome. Also called: Dysencephalia splachnocystica; DYSENCEPHALIA SPLANCHNOCYSTICA; GRUBER SYNDROME. Identifiers: Orphanet 564, MedGen C0265215, MONDO:0018921.
Leber congenital amaurosis (LCA). Also called: Leber's amaurosis. Identifiers: Orphanet 65, MedGen C0339527, MeSH D057130, MONDO:0018998.

Allele frequency attached by ClinVar (database versions not stated): gnomAD exomes 0.00005; TOPMed 0.00004; ExAC 0.00005; gnomAD 0.00001.
gnomAD v4.1: 17 of 1,592,898 alleles (0.0011%); highest among the groups gnomAD compares: Admixed American, 0.03%; no homozygotes.

Submissions (6):

PreventionGenetics, part of Exact Sciences
Classification: Uncertain significance for CEP290-related condition. Last evaluated: 2026-08-26. Review status: criteria provided, single submitter. Criteria: ACMG Guidelines, 2015. Collection method: clinical testing. Allele origin: germline.
Comment: The CEP290 c.2068A>C variant is predicted to result in the amino acid substitution p.Asn690His. To our knowledge, this variant has not been reported in the literature. This variant is reported in 0.040% of alleles in individuals of Latino descent in gnomAD. At this time, the clinical significance of this variant is uncertain due to the absence of conclusive functional and genetic evidence.

Labcorp Genetics (formerly Invitae), Labcorp
Classification: Uncertain significance for Joubert syndrome; Meckel-Gruber syndrome; Nephronophthisis. Last evaluated: 2025-04-21. Review status: criteria provided, single submitter. Criteria: Invitae Variant Classification Sherloc (09022015). Collection method: clinical testing. Allele origin: germline.
Comment: This sequence change replaces asparagine, which is neutral and polar, with histidine, which is basic and polar, at codon 690 of the CEP290 protein (p.Asn690His). This variant is present in population databases (rs398124411, gnomAD 0.04%). This variant has not been reported in the literature in individuals affected with CEP290-related conditions. ClinVar contains an entry for this variant (Variation ID: 96169). Invitae Evidence Modeling of protein sequence and biophysical properties (such as structural, functional, and spatial information, amino acid conservation, physicochemical variation, residue mobility, and thermodynamic stability) has been performed for this missense variant. However, the output from this modeling did not meet the statistical confidence thresholds required to predict the impact of this variant on CEP290 protein function. In summary, the available evidence is currently insufficient to determine the role of this variant in disease. Therefore, it has been classified as a Variant of Uncertain Significance.

Blueprint Genetics
Classification: Uncertain significance. Last evaluated: 2022-09-22. Review status: criteria provided, single submitter. Criteria: ACMG Guidelines, 2015. Collection method: clinical testing. Allele origin: germline.

New York Genome Center
Classification: Uncertain significance for Leber congenital amaurosis 10; Senior-Loken syndrome 6; Meckel syndrome, type 4; Joubert syndrome 5. Last evaluated: 2022-04-15. Review status: criteria provided, single submitter. Criteria: NYGC Assertion Criteria 2020. Collection method: clinical testing. Allele origin: germline. Observed: 1 heterozygote.

Eurofins Ntd Llc (ga)
Classification: Uncertain significance. Last evaluated: 2017-03-29. Review status: criteria provided, single submitter. Criteria: EGL Classification Definitions 2015. Collection method: clinical testing. Allele origin: germline. Observed: 2 variant alleles, 2 heterozygotes.

Natera, Inc.
Classification: Uncertain significance for Leber congenital amaurosis. Last evaluated: 2019-10-28. Review status: no assertion criteria provided. Collection method: clinical testing. Allele origin: germline. Not counted in ClinVar's aggregate classification.

NM_025114.4(CEP290):c.2068A>C (p.Asn690His)

Gene: CEP290 (centrosomal protein 290; minus strand). Cytogenetic location: 12q21.32.
Variant type: single nucleotide variant.
Coding change: c.2068A>C on transcript NM_025114.4 (MANE Select); coding-DNA position 2068, A replaced by C.
Protein change: p.Asn690His; replaces asparagine 690 with histidine.
Molecular consequence: missense variant.
Genome position (GRCh38, 1-based): chr12:88,111,843, T>G on the plus strand (A>C on the coding strand, the complement: CEP290 is on the minus strand). VCF-style: chr12-88111843-T-G. GRCh37 (hg19) VCF-style: chr12-88505620-T-G.
Other names: short protein forms N690H.
Identifiers: ClinVar variation 96169 (VCV000096169.18), dbSNP rs398124411, ClinGen allele CA223790.